The following is an entry in ClinVar:

ClinVar aggregate classification (germline): Likely benign. Review status: criteria provided, multiple submitters, no conflicts (2 of 4 stars). 2 submissions from 2 submitters: Likely benign (2). Last evaluated 2026-06-29.

gnomAD v4.1: 34 of 1,488,020 alleles (0.0023%); highest among the groups gnomAD compares: East Asian, 0.052%; no homozygotes.

Submissions (2):

Women's Health and Genetics/Laboratory Corporation of America, LabCorp
Classification: Likely benign. Last evaluated: 2026-06-29. Review status: criteria provided, single submitter. Criteria: LabCorp Variant Classification Summary - May 2015. Collection method: clinical testing. Allele origin: germline.
Comment: Variant summary: TNXB c.2780-8C>T alters a nucleotide located at a position not widely known to affect splicing. Consensus agreement among computation tools predict no significant impact on normal splicing. However, these predictions have yet to be confirmed by functional studies. The variant allele was found at a frequency of 9.5e-05 in 115484 control chromosomes. This frequency is not significantly higher than estimated for disease-causing variants in TNXB, allowing no conclusion about variant significance. To our knowledge, no occurrence of c.2780-8C>T in individuals affected with TNXB-related conditions and no experimental evidence demonstrating its impact on protein function have been reported. ClinVar contains an entry for this variant (Variation ID: 4806482). Based on the evidence outlined above, the variant was classified as likely benign.

Labcorp Genetics (formerly Invitae), Labcorp
Classification: Likely benign. Last evaluated: 2025-12-30. Review status: criteria provided, single submitter. Criteria: Invitae Variant Classification Sherloc (09022015). Collection method: clinical testing. Allele origin: germline.

NM_001365276.2(TNXB):c.2780-8C>T

Gene: TNXB (tenascin XB; minus strand). Cytogenetic location: 6p21.33.
Variant type: single nucleotide variant.
Coding change: c.2780-8C>T on transcript NM_001365276.2 (MANE Select); 8 bases into the intron before coding-DNA position 2780, C replaced by T.
Molecular consequence: intron variant.
Genome position (GRCh38, 1-based): chr6:32,086,126, G>A on the plus strand (C>T on the coding strand, the complement: TNXB is on the minus strand). VCF-style: chr6-32086126-G-A. GRCh37 (hg19) VCF-style: chr6-32053903-G-A.
Other names: c.2780-8C>T (NM_019105.8); c.3521-8C>T (NM_001428335.1).
Identifiers: ClinVar variation 4806482 (VCV004806482.2).
Genomic context (GRCh38, chr6:32,086,126, plus strand): 5'-GCCTGAGGGAGGAGGCTCATCGGTAGTCCCCAAGAGGCCCAAGGGTGAGGACCCTGGGAA[G>A]GGGCAGGGTGAGAAAAAGAGGAGAGTCCAGTATGAGAACTAGAAAGGAATCCCCAGTCCC-3'